The following is an entry in ClinVar:

NM_002769.5(PRSS1):c.149G>A (p.Gly50Asp)

Genes: TRB (T cell receptor beta locus; plus strand), PRSS1 (serine protease 1; plus strand). Cytogenetic location: 7q34.
Variant type: single nucleotide variant.
Coding change: c.149G>A on transcript NM_002769.5 (MANE Select); coding-DNA position 149, G replaced by A.
Protein change: p.Gly50Asp; replaces glycine 50 with aspartic acid.
Molecular consequence: missense variant. On other transcripts: non-coding transcript variant (4).
Genome position (GRCh38, 1-based): chr7:142,750,663, G>A. VCF-style: chr7-142750663-G-A. GRCh37 (hg19) VCF-style: chr7-142458514-G-A.
Other names: short protein forms G50D.
Identifiers: ClinVar variation 3222788 (VCV003222788.1), dbSNP rs1166804108, ClinGen allele CA369607404.

ClinVar aggregate classification (germline): Uncertain significance (1 of 4 stars; one submission).

Conditions:
Hereditary pancreatitis (PCTT). Also called: Hereditary chronic pancreatitis; PRSS1-Related Hereditary Pancreatitis. Identifiers: Orphanet 676, MedGen C0238339, MONDO:0008185, OMIM 167800.

Submission:

Ambry Genetics
Classification: Uncertain significance for Hereditary pancreatitis. Last evaluated: 2023-12-29. Review status: criteria provided, single submitter. Criteria: Ambry Variant Classification Scheme 2023. Collection method: clinical testing. Allele origin: germline.
Comment: The p.G50D variant (also known as c.149G>A), located in coding exon 2 of the PRSS1 gene, results from a G to A substitution at nucleotide position 149. The glycine at codon 50 is replaced by aspartic acid, an amino acid with similar properties. This amino acid position is conserved. In addition, this alteration is predicted to be deleterious by in silico analysis. Since supporting evidence is limited at this time, the clinical significance of this alteration remains unclear.